The following is an entry in ClinVar:

NM_000246.4(CIITA):c.3063-163T>C

Gene: CIITA (class II major histocompatibility complex transactivator; plus strand). Cytogenetic location: 16p13.13.
Variant type: single nucleotide variant.
Coding change: c.3063-163T>C on transcript NM_000246.4 (MANE Select); 163 bases into the intron before coding-DNA position 3063, T replaced by C.
Molecular consequence: intron variant.
Genome position (GRCh38, 1-based): chr16:10,918,277, T>C. VCF-style: chr16-10918277-T-C. GRCh37 (hg19) VCF-style: chr16-11012134-T-C.
Other names: c.3066-163T>C (NM_001286402.1, NM_001379332.1); c.2919-163T>C (NM_001379330.1); c.3063-163T>C (NM_001379333.1); c.2916-163T>C (NM_001379331.1); c.1311-163T>C (NM_001286403.2); c.2994-163T>C (NM_001379334.1).
Identifiers: ClinVar variation 103003 (VCV000103003.2), dbSNP rs199476078, ClinGen allele CA229981.
Genomic context (GRCh38, chr16:10,918,277, plus strand): 5'-TGGGACAGGTGGGGGCAGGAGGGTGCACTCTCCCTCCCATCCACCTCCTCATCCCTGCCC[T>C]CCCACTTGGCCACAGGACCTAACAGTATCCTCCTATTTACCGAGAGGTAGCTTAAGTCTG-3'

ClinVar aggregate classification (germline): not provided (0 of 4 stars; one submission).

Allele frequency attached by ClinVar (database versions not stated): 1000 Genomes Project 0.00020; gnomAD 0.00036 and 0.00038; TOPMed 0.00042; 1000 Genomes Project 30x 0.00062.
gnomAD v4.1: 55 of 152,264 alleles (0.036%); highest among the groups gnomAD compares: African/African-American, 0.13%; no homozygotes.

Submission:

Human Evolutionary Genetics, Institut Pasteur
No classification provided. Review status: no classification provided. Collection method: not provided. Allele origin: germline.
ClinVar note: Converted during submission from untested to not provided.